The following is an entry in ClinVar:

NM_020754.4(ARHGAP31):c.601C>T (p.Gln201Ter)

Gene: ARHGAP31 (Rho GTPase activating protein 31; plus strand). Cytogenetic location: 3q13.33.
Variant type: single nucleotide variant.
Coding change: c.601C>T on transcript NM_020754.4 (MANE Select); coding-DNA position 601, C replaced by T.
Protein change: p.Gln201Ter; replaces glutamine 201 with a stop codon.
Molecular consequence: nonsense.
Genome position (GRCh38, 1-based): chr3:119,383,145, C>T. VCF-style: chr3-119383145-C-T. GRCh37 (hg19) VCF-style: chr3-119101992-C-T.
Other names: short protein forms Q201*.
Identifiers: ClinVar variation 2763717 (VCV002763717.3), dbSNP rs2472835020, ClinGen allele CA354027387.

ClinVar aggregate classification (germline): Uncertain significance (1 of 4 stars; one submission).

Submission:

Labcorp Genetics (formerly Invitae), Labcorp
Classification: Uncertain significance. Last evaluated: 2024-01-03. Review status: criteria provided, single submitter. Criteria: Invitae Variant Classification Sherloc (09022015). Collection method: clinical testing. Allele origin: germline.
Comment: This sequence change creates a premature translational stop signal (p.Gln201*) in the ARHGAP31 gene. It is expected to result in an absent or disrupted protein product. However, the current clinical and genetic evidence is not sufficient to establish whether loss-of-function variants in ARHGAP31 cause disease. This variant is not present in population databases (gnomAD no frequency). This variant has not been reported in the literature in individuals affected with ARHGAP31-related conditions. In summary, the available evidence is currently insufficient to determine the role of this variant in disease. Therefore, it has been classified as a Variant of Uncertain Significance.